The following is an entry in ClinVar:

NM_001367624.2(ZNF469):c.6883G>A (p.Asp2295Asn)

Gene: ZNF469 (zinc finger protein 469; plus strand). Cytogenetic location: 16q24.2.
Variant type: single nucleotide variant.
Coding change: c.6883G>A on transcript NM_001367624.2 (MANE Select); coding-DNA position 6883, G replaced by A.
Protein change: p.Asp2295Asn; replaces aspartic acid 2295 with asparagine.
Molecular consequence: missense variant.
Genome position (GRCh38, 1-based): chr16:88,434,353, G>A. VCF-style: chr16-88434353-G-A. GRCh37 (hg19) VCF-style: chr16-88500761-G-A.
Other names: NM_001127464.1:c.6799G>A; short protein forms D2295N.
Identifiers: ClinVar variation 3232845 (VCV003232845.1), dbSNP rs760511796, ClinGen allele CA8225192.

ClinVar aggregate classification (germline): Uncertain significance (1 of 4 stars; one submission).

Conditions:
Cardiovascular phenotype. Identifiers: MedGen CN230736.

Allele frequency attached by ClinVar (database versions not stated): gnomAD 0.00001; gnomAD exomes 0.00001; TOPMed 0.00001; ExAC 0.00006.
gnomAD v4.1: 4 of 1,550,082 alleles (0.00026%); highest among the groups gnomAD compares: Admixed American, 0.0059%; no homozygotes.

Submission:

Ambry Genetics
Classification: Uncertain significance for Cardiovascular phenotype. Last evaluated: 2023-09-22. Review status: criteria provided, single submitter. Criteria: Ambry Variant Classification Scheme 2023. Collection method: clinical testing. Allele origin: germline.
Comment: The p.D2267N variant (also known as c.6799G>A), located in coding exon 2 of the ZNF469 gene, results from a G to A substitution at nucleotide position 6799. The aspartic acid at codon 2267 is replaced by asparagine, an amino acid with highly similar properties. This amino acid position is conserved. In addition, this alteration is predicted to be tolerated by in silico analysis. Since supporting evidence is limited at this time, the clinical significance of this alteration remains unclear.